The following is an entry in ClinVar:

NM_000285.4(PEPD):c.551G>A (p.Arg184Gln)

Gene: PEPD (peptidase D; minus strand). Cytogenetic location: 19q13.11.
Variant type: single nucleotide variant.
Coding change: c.551G>A on transcript NM_000285.4 (MANE Select); coding-DNA position 551, G replaced by A.
Protein change: p.Arg184Gln; replaces arginine 184 with glutamine.
Molecular consequence: missense variant. On other transcripts: intron variant (1).
Genome position (GRCh38, 1-based): chr19:33,464,060, C>T on the plus strand (G>A on the coding strand, the complement: PEPD is on the minus strand). VCF-style: chr19-33464060-C-T. GRCh37 (hg19) VCF-style: chr19-33954966-C-T.
Other names: c.359G>A, p.Arg120Gln (NM_001166057.2); c.548+13986G>A (NM_001166056.2); short protein forms R184Q, R120Q.
Identifiers: ClinVar variation 211 (VCV000000211.5), dbSNP rs121917722, ClinGen allele CA214913.

ClinVar aggregate classification (germline): Pathogenic. Review status: criteria provided, single submitter (1 of 4 stars). 2 submissions from 2 submitters: Pathogenic (1). 1 of the submissions does not count toward it. Last evaluated 2025-10-01.

Conditions:
Prolidase deficiency. Identifiers: Orphanet 742, MedGen C0268532, MONDO:0008221, OMIM 170100.

Allele frequency attached by ClinVar (database versions not stated): ExAC 0.00002; TOPMed 0.00002; gnomAD exomes 0.00002.
gnomAD v4.1: 22 of 1,611,228 alleles (0.0014%); highest among the groups gnomAD compares: African/African-American, 0.0067%; no homozygotes.

Submissions (3):

Labcorp Genetics (formerly Invitae), Labcorp
Classification: Pathogenic. Last evaluated: 2025-10-01. Review status: criteria provided, single submitter. Criteria: Invitae Variant Classification Sherloc (09022015). Collection method: clinical testing. Allele origin: germline.
Comment: This sequence change replaces arginine, which is basic and polar, with glutamine, which is neutral and polar, at codon 184 of the PEPD protein (p.Arg184Gln). This variant is present in population databases (rs121917722, gnomAD 0.009%). This missense change has been observed in individual(s) with prolidase deficiency (PMID: 8900231). In at least one individual the data is consistent with being in trans (on the opposite chromosome) from a pathogenic variant. ClinVar contains an entry for this variant (Variation ID: 211). Invitae Evidence Modeling of protein sequence and biophysical properties (such as structural, functional, and spatial information, amino acid conservation, physicochemical variation, residue mobility, and thermodynamic stability) indicates that this missense variant is expected to disrupt PEPD protein function with a positive predictive value of 95%. Experimental studies have shown that this missense change affects PEPD function (PMID: 8900231). For these reasons, this variant has been classified as Pathogenic.

OMIM
Classification: Pathogenic for PROLIDASE DEFICIENCY. Last evaluated: 1996-11-01. Review status: no assertion criteria provided. Collection method: literature only. Allele origin: germline. Not counted in ClinVar's aggregate classification.

Dr. Peter K. Rogan Lab, Western University
No classification provided (evidence only). Condition: Melanoma. Review status: no classification provided. Collection method: in vitro. Allele origin: not applicable. Functional consequence: retained intron. Not counted in ClinVar's aggregate classification.

Literature cited by the submitters: PubMed 8900231 (cited by Labcorp Genetics (formerly Invitae), Labcorp and OMIM).